The following is an entry in ClinVar:

NM_031448.6(C19orf12):c.-11+197T>G

Genes: C19orf12 (chromosome 19 open reading frame 12; minus strand), LOC130064129 (ATAC-STARR-seq lymphoblastoid silent region 10465; plus strand). Cytogenetic location: 19q12.
Variant type: single nucleotide variant.
Coding change: c.-11+197T>G on transcript NM_031448.6 (MANE Select); 197 bases into the intron after 11 bases upstream of the start codon, T replaced by G.
Molecular consequence: intron variant. On other transcripts: 5 prime UTR variant (2).
Genome position (GRCh38, 1-based): chr19:29,714,928, A>C on the plus strand (T>G on the coding strand, the complement: C19orf12 is on the minus strand). VCF-style: chr19-29714928-A-C. GRCh37 (hg19) VCF-style: chr19-30205835-A-C.
Other names: c.-32T>G (NM_001031726.4); c.-54T>G (NM_001282929.1); c.-11+635T>G (NM_001256047.2); c.-33+197T>G (NM_001282930.3); c.-11+197T>G (NM_001256046.3); c.-324+197T>G (NM_001282931.3).
Identifiers: ClinVar variation 2033751 (VCV002033751.4), dbSNP rs2513320344, ClinGen allele CA405148116.

ClinVar aggregate classification (germline): Uncertain significance (1 of 4 stars; one submission).

Conditions:
Hereditary spastic paraplegia 43. Also called: Spastic paraplegia 43, autosomal recessive. Identifiers: Orphanet 320370, MedGen C2680446, MONDO:0014024, OMIM 615043.

Submission:

Labcorp Genetics (formerly Invitae), Labcorp
Classification: Uncertain significance for Hereditary spastic paraplegia 43. Last evaluated: 2022-10-18. Review status: criteria provided, single submitter. Criteria: Invitae Variant Classification Sherloc (09022015). Collection method: clinical testing. Allele origin: germline.
Comment: In summary, the available evidence is currently insufficient to determine the role of this variant in disease. Therefore, it has been classified as a Variant of Uncertain Significance. Experimental studies and prediction algorithms are not available or were not evaluated, and the functional significance of this variant is currently unknown. This variant has not been reported in the literature in individuals affected with C19orf12-related conditions. This variant is not present in population databases (gnomAD no frequency). This sequence change affects the initiator methionine of the C19orf12 mRNA. The next in-frame methionine is located at codon 12.